The following is an entry in ClinVar:

NM_001040157.3(CEP44):c.387T>C (p.Ile129=)

Gene: CEP44 (centrosomal protein 44; plus strand). Cytogenetic location: 4q34.1.
Variant type: single nucleotide variant.
Coding change: c.387T>C on transcript NM_001040157.3 (MANE Select); coding-DNA position 387, T replaced by C.
Protein change: p.Ile129=; no amino-acid change (isoleucine 129 retained).
Molecular consequence: synonymous variant.
Genome position (GRCh38, 1-based): chr4:174,304,249, T>C. VCF-style: chr4-174304249-T-C. GRCh37 (hg19) VCF-style: chr4-175225400-T-C.
Other names: c.387T>C, p.Ile129= (NM_001145314.2).
Identifiers: ClinVar variation 2655190 (VCV002655190.24), dbSNP rs148050333, ClinGen allele CA3141896.

ClinVar aggregate classification (germline): Likely benign (1 of 4 stars; one submission).

Allele frequency attached by ClinVar (database versions not stated): 1000 Genomes Project 0.00160; 1000 Genomes Project 30x 0.00172; gnomAD 0.00360; ExAC 0.00403; TOPMed 0.00417; gnomAD exomes 0.00467; ESP Exome Variant Server 0.00492.
gnomAD v4.1: 7,259 of 1,581,170 alleles (0.46%); highest among the groups gnomAD compares: Middle Eastern, 1.1%; 31 homozygotes.

Submission:

CeGaT Center for Human Genetics Tuebingen
Classification: Likely benign. Last evaluated: 2023-01-01. Review status: criteria provided, single submitter. Criteria: CeGaT Center For Human Genetics Tuebingen Variant Classification Criteria Version 2. Collection method: clinical testing. Allele origin: germline. Affected: yes. Observed: 1 variant allele.
Comment: CEP44: BP4, BP7, BS2